The following is an entry in ClinVar:

ClinVar aggregate classification (germline): Conflicting classifications of pathogenicity. Review status: criteria provided, conflicting classifications (1 of 4 stars). 6 submissions from 6 submitters: Uncertain significance (5); Benign (1). Last evaluated 2026-06-04.

Conditions:
Hereditary cancer-predisposing syndrome. Also called: Tumor predisposition; Hereditary Cancer Syndrome; Hereditary neoplastic syndrome; Neoplastic Syndromes, Hereditary. Identifiers: Orphanet 140162, MedGen C0027672, MeSH D009386, MONDO:0015356.
Hereditary diffuse gastric adenocarcinoma (HDGC). Also called: DIFFUSE GASTRIC AND LOBULAR BREAST CANCER SYNDROME. Identifiers: Orphanet 26106, MedGen C1708349, MONDO:0007648, OMIM 137215.

Submissions (6):

Ambry Genetics
Classification: Benign for Hereditary cancer-predisposing syndrome. Last evaluated: 2026-06-04. Review status: criteria provided, single submitter. Criteria: Ambry Variant Classification Scheme 2023. Collection method: clinical testing. Allele origin: germline.

Labcorp Genetics (formerly Invitae), Labcorp
Classification: Uncertain significance for Hereditary diffuse gastric adenocarcinoma. Last evaluated: 2025-08-30. Review status: criteria provided, single submitter. Criteria: Invitae Variant Classification Sherloc (09022015). Collection method: clinical testing. Allele origin: germline.
Comment: This sequence change replaces valine, which is neutral and non-polar, with methionine, which is neutral and non-polar, at codon 119 of the CDH1 protein (p.Val119Met). This variant is not present in population databases (gnomAD no frequency). This variant has not been reported in the literature in individuals affected with CDH1-related conditions. ClinVar contains an entry for this variant (Variation ID: 187593). An algorithm developed to predict the effect of missense changes on protein structure and function (PolyPhen-2) suggests that this variant is likely to be tolerated. In summary, the available evidence is currently insufficient to determine the role of this variant in disease. Therefore, it has been classified as a Variant of Uncertain Significance.

Quest Diagnostics Nichols Institute San Juan Capistrano
Classification: Uncertain significance. Last evaluated: 2024-12-31. Review status: criteria provided, single submitter. Criteria: Quest Diagnostics criteria. Collection method: clinical testing. Allele origin: unknown.
Comment: The CDH1 c.355G>A (p.Val119Met) variant has not been reported in individuals with CDH1-related conditions in the published literature. It also has not been reported in large, multi-ethnic general populations (Genome Aggregation Database). Analysis of this variant using bioinformatics tools for the prediction of the effect of amino acid changes on protein structure and function yielded predictions that this variant is benign. Based on the available information, we are unable to determine the clinical significance of this variant.

Women's Health and Genetics/Laboratory Corporation of America, LabCorp
Classification: Uncertain significance. Last evaluated: 2024-08-09. Review status: criteria provided, single submitter. Criteria: LabCorp Variant Classification Summary - May 2015. Collection method: clinical testing. Allele origin: germline.

GeneDx
Classification: Uncertain significance. Last evaluated: 2024-07-29. Review status: criteria provided, single submitter. Criteria: GeneDx Variant Classification Process June 2021. Collection method: clinical testing. Allele origin: germline. Affected: yes.
Comment: Not observed at significant frequency in large population cohorts (gnomAD); In silico analysis indicates that this missense variant does not alter protein structure/function; Has not been previously published as pathogenic or benign to our knowledge; This variant is associated with the following publications: (PMID: 15235021)

Color Diagnostics, LLC DBA Color Health
Classification: Uncertain significance for Hereditary cancer-predisposing syndrome. Last evaluated: 2023-12-04. Review status: criteria provided, single submitter. Criteria: ACMG Guidelines, 2015. Collection method: clinical testing. Allele origin: germline.
Comment: This missense variant replaces valine with methionine at codon 119 of the CDH1 protein. To our knowledge, functional studies have not been reported for this variant. This variant has not been reported in individuals affected with CDH1-related disorders in the literature. This variant has not been identified in the general population by the Genome Aggregation Database (gnomAD). The available evidence is insufficient to determine the role of this variant in disease conclusively. Therefore, this variant is classified as a Variant of Uncertain Significance.

NM_004360.5(CDH1):c.355G>A (p.Val119Met)

Gene: CDH1 (cadherin 1; plus strand). Cytogenetic location: 16q22.1.
Variant type: single nucleotide variant.
Coding change: c.355G>A on transcript NM_004360.5 (MANE Select); coding-DNA position 355, G replaced by A.
Protein change: p.Val119Met; replaces valine 119 with methionine.
Molecular consequence: missense variant. On other transcripts: 5 prime UTR variant (2).
Genome position (GRCh38, 1-based): chr16:68,801,861, G>A. VCF-style: chr16-68801861-G-A. GRCh37 (hg19) VCF-style: chr16-68835764-G-A.
Other names: c.355G>A, p.Val119Met (NM_001317184.2); c.-1261G>A (NM_001317185.2); c.-1465G>A (NM_001317186.2); c.355G>A (LRG_301t1); short protein forms V119M.
Identifiers: ClinVar variation 187593 (VCV000187593.23), dbSNP rs786203849, ClinGen allele CA198036.